The following is an entry in ClinVar:

ClinVar aggregate classification (germline): Conflicting classifications of pathogenicity. Review status: criteria provided, conflicting classifications (1 of 4 stars). 4 submissions from 4 submitters: Pathogenic (1); Likely pathogenic (1); Uncertain significance (1). 1 of the submissions does not count toward it. Last evaluated 2025-11-10.

Conditions:
Alkaptonuria (AKU). Also called: Homogentisic acidura; Alkaptonuric ochronosis; HOMOGENTISIC ACID OXIDASE DEFICIENCY; Alcaptonuria. Identifiers: Orphanet 56, MedGen C0002066, MONDO:0008753, OMIM 203500.

gnomAD v4.1: 4 of 1,614,000 alleles (0.00025%); highest among the groups gnomAD compares: Non-Finnish European, 0.00034%; no homozygotes.

Submissions (4):

Myriad Genetics, Inc.
Classification: Uncertain significance for Alkaptonuria. Last evaluated: 2025-11-10. Review status: criteria provided, single submitter. Criteria: Myriad Autosomal Dominant, Autosomal Recessive and X-Linked Classification Criteria (2023). Collection method: clinical testing. Allele origin: unknown.
Comment: NM_000187.3(HGD):c.11T>C(L4S) is a missense variant classified as a variant of uncertain significance in the context of alkaptonuria. L4S has been observed in cases with relevant disease (PMID: 19862842). Relevant functional assessments of this variant are not available in the literature. L4S has not been observed in referenced population frequency databases. In summary, there is insufficient evidence to classify NM_000187.3(HGD):c.11T>C(L4S) as pathogenic or benign. Please note: this variant was assessed in the context of healthy population screening.

Women's Health and Genetics/Laboratory Corporation of America, LabCorp
Classification: Likely pathogenic for Alkaptonuria. Last evaluated: 2024-10-08. Review status: criteria provided, single submitter. Criteria: LabCorp Variant Classification Summary - May 2015. Collection method: clinical testing. Allele origin: germline.
Comment: Variant summary: HGD c.11T>C (p.Leu4Ser) results in a non-conservative amino acid change in the encoded protein sequence. Four of five in-silico tools predict a damaging effect of the variant on protein function. The variant was absent in 251296 control chromosomes. c.11T>C has been reported in the literature in individuals affected with Alkaptonuria as a compound heterozygous genotype or without reported genotype (e.g. Ascher_2019, Phornphutkul_2002, Vilboux_2009). These data indicate that the variant may be associated with disease. To our knowledge, no experimental evidence demonstrating an impact on protein function has been reported. The following publications have been ascertained in the context of this evaluation (PMID: 30737480, 12501223, 19862842). ClinVar contains an entry for this variant (Variation ID: 1456230). Based on the evidence outlined above, the variant was classified as likely pathogenic.

Labcorp Genetics (formerly Invitae), Labcorp
Classification: Pathogenic for Alkaptonuria. Last evaluated: 2021-03-31. Review status: criteria provided, single submitter. Criteria: Invitae Variant Classification Sherloc (09022015). Collection method: clinical testing. Allele origin: germline.
Comment: This variant is not present in population databases (ExAC no frequency). This sequence change replaces leucine with serine at codon 4 of the HGD protein (p.Leu4Ser). The leucine residue is moderately conserved and there is a large physicochemical difference between leucine and serine. This variant has been observed in individual(s) with alkaptonuria (PMID: 19862842, 12501223, 16085442, Invitae). Advanced modeling of protein sequence and biophysical properties (such as structural, functional, and spatial information, amino acid conservation, physicochemical variation, residue mobility, and thermodynamic stability) performed at Invitae indicates that this missense variant is not expected to disrupt HGD protein function. For these reasons, this variant has been classified as Pathogenic.

Department Of Human Genetics, Institute Of Clinical And Translational Research, Biomedical Research Center, Slovak Academy Of Sciences
Classification: Pathogenic for Alkaptonuria. Review status: no assertion criteria provided. Collection method: research. Allele origin: germline. Inheritance: Autosomal recessive inheritance. Affected: yes. Observed: 2 variant alleles. Not counted in ClinVar's aggregate classification.
Comment: The variant was originally described in AKU patient in PMID:12501223. It has been submitted to the HGD gene mutation database (DB-ID: AKU_00002).

Literature cited by the submitters: PubMed 19862842 (cited by 3 submitters); PubMed 30737480 (cited by Women's Health and Genetics/Laboratory Corporation of America, LabCorp); PubMed 12501223 (cited by 3 submitters); PubMed 16085442 (cited by Labcorp Genetics (formerly Invitae), Labcorp).

NM_000187.4(HGD):c.11T>C (p.Leu4Ser)

Gene: HGD (homogentisate 1,2-dioxygenase; minus strand). Cytogenetic location: 3q13.33.
Variant type: single nucleotide variant.
Coding change: c.11T>C on transcript NM_000187.4 (MANE Select); coding-DNA position 11, T replaced by C.
Protein change: p.Leu4Ser; replaces leucine 4 with serine.
Molecular consequence: missense variant.
Genome position (GRCh38, 1-based): chr3:120,682,101, A>G on the plus strand (T>C on the coding strand, the complement: HGD is on the minus strand). VCF-style: chr3-120682101-A-G. GRCh37 (hg19) VCF-style: chr3-120400948-A-G.
Other names: short protein forms L4S.
Identifiers: ClinVar variation 1456230 (VCV001456230.10), dbSNP rs786204422, ClinGen allele CA354084238.